The following is an entry in ClinVar:

ClinVar aggregate classification (germline): Likely pathogenic (1 of 4 stars; one submission).

Conditions:
Usher syndrome type 1F (USH1F). Also called: USHER SYNDROME, TYPE IF. Identifiers: Orphanet 231169, Orphanet 886, MedGen C1865885, MONDO:0011186, OMIM 602083.

Submission:

Natera, Inc.
Classification: Likely pathogenic for Usher syndrome type 1F. Last evaluated: 2025-10-13. Review status: criteria provided, single submitter. Criteria: Natera Variant Classification Schema (03/2026). Collection method: clinical testing. Allele origin: germline.
Comment: The c.3709del variant in PCDH15 is a frameshift variant predicted to shift the reading frame beginning at codon 1237 and leads to a stop codon 23 codons downstream. This variant is expected to result in nonsense mediated decay, truncation, or a dysfunctional protein product. This variant is rare in the general population with a frequency below the threshold expected for the associated phenotype(s). Given the available evidence, this variant is classified as Likely Pathogenic.

NM_001384140.1(PCDH15):c.3709del (p.Asp1237fs)

Gene: PCDH15 (protocadherin related 15; minus strand). Cytogenetic location: 10q21.1.
Variant type: Deletion.
Coding change: c.3709del on transcript NM_001384140.1 (MANE Select); coding-DNA position 3709, one base deleted (G; older notation c.3709delG).
Protein change: p.Asp1237fs; shifts the reading frame from aspartic acid 1237.
Molecular consequence: frameshift variant.
Genome position (GRCh38, 1-based): chr10:53,866,650, C deleted on the plus strand (G on the coding strand, the reverse complement: PCDH15 is on the minus strand). VCF-style (leftmost placement, unchanged base first): chr10-53866649-TC-T. GRCh37 (hg19) VCF-style: chr10-55626409-TC-T.
Other names: c.3724del, p.Asp1242fs (NM_001142763.2, NM_001142771.2); c.3709del, p.Asp1237fs (NM_001142764.2, NM_001142766.2, NM_001142770.3 and 4 more transcripts); c.3496del, p.Asp1166fs (NM_001142765.2); c.3598del, p.Asp1200fs (NM_001142767.2); c.3643del, p.Asp1215fs (NM_001142768.2, NM_001142773.2, NM_001354404.2); c.3745delG, p.Asp1249Metfs (NM_001142769.4); c.3730del, p.Asp1244fs (NM_001354411.2); short protein forms D1166fs, D1200fs, D1215fs, D1237fs, D1242fs, D1244fs, D1249fs.
Identifiers: ClinVar variation 4816371 (VCV004816371.1).